The following is an entry in ClinVar:

ClinVar aggregate classification (germline): Likely pathogenic (0 of 4 stars; one submission).

Conditions:
Hereditary spastic paraplegia 48. Also called: SPASTIC PARAPLEGIA 48, AUTOSOMAL RECESSIVE; Spastic paraplegia 48. Identifiers: Orphanet 306511, MedGen C3150901, MONDO:0013342, OMIM 613647.

gnomAD v4.1: 13 of 1,553,082 alleles (0.00084%); highest among the groups gnomAD compares: South Asian, 0.014%; no homozygotes.

Submission:

Solve-RD Consortium
Classification: Likely pathogenic for Hereditary spastic paraplegia 48. Last evaluated: 2022-06-01. Review status: no assertion criteria provided. Collection method: provider interpretation. Allele origin: inherited. Affected: yes.
Comment: Variant confirmed as disease-causing by referring clinical team

Variant identified during reanalysis of unsolved cases by the Solve-RD project. The Solve-RD project has received funding from the European Union’s Horizon 2020 research and innovation programme under grant agreement No 779257.

Literature cited by the submitters: PubMed 39825153.

NM_014855.3(AP5Z1):c.1349T>C (p.Phe450Ser)

Gene: AP5Z1 (adaptor related protein complex 5 subunit zeta 1; plus strand). Cytogenetic location: 7p22.1.
Variant type: single nucleotide variant.
Coding change: c.1349T>C on transcript NM_014855.3 (MANE Select); coding-DNA position 1349, T replaced by C.
Protein change: p.Phe450Ser; replaces phenylalanine 450 with serine.
Molecular consequence: missense variant. On other transcripts: non-coding transcript variant (1).
Genome position (GRCh38, 1-based): chr7:4,787,671, T>C. VCF-style: chr7-4787671-T-C. GRCh37 (hg19) VCF-style: chr7-4827302-T-C.
Other names: c.881T>C, p.Phe294Ser (NM_001364858.1); short protein forms F294S, F450S.
Identifiers: ClinVar variation 3256754 (VCV003256754.1).
Genomic context (GRCh38, chr7:4,787,671, plus strand): 5'-GAACCGCTGTGCTGTGCCCACAGTTCCTGGCCTGGAACAGCCCACCCCTCACCTCCGAGT[T>C]TGTGGCGCTCCTCCCGGCCCTGGTGGACGCTGGCACAGCCCTGGAGATGCTGCACGCGCT-3'
Protein context (NP_055670.1, residues 440-460): AWNSPPLTSE[Phe450Ser]VALLPALVDA